The following is an entry in ClinVar:

NM_000365.6(TPI1):c.737A>G (p.Asn246Ser)

Gene: TPI1 (triosephosphate isomerase 1; plus strand). Cytogenetic location: 12p13.31.
Variant type: single nucleotide variant.
Coding change: c.737A>G on transcript NM_000365.6 (MANE Select); coding-DNA position 737, A replaced by G.
Protein change: p.Asn246Ser; replaces asparagine 246 with serine.
Molecular consequence: missense variant.
Genome position (GRCh38, 1-based): chr12:6,870,370, A>G. VCF-style: chr12-6870370-A-G. GRCh37 (hg19) VCF-style: chr12-6979534-A-G.
Other names: c.848A>G, p.Asn283Ser (NM_001159287.1); c.491A>G, p.Asn164Ser (NM_001258026.2); short protein forms N283S, N164S, N246S.
Identifiers: ClinVar variation 883009 (VCV000883009.9), dbSNP rs781891192, ClinGen allele CA6419040.

ClinVar aggregate classification (germline): Uncertain significance. Review status: criteria provided, multiple submitters, no conflicts (2 of 4 stars). 4 submissions from 4 submitters: Uncertain significance (4). Last evaluated 2024-11-15.

Conditions:
Triosephosphate isomerase deficiency (TPID). Also called: Triose phosphate isomerase deficiency. Identifiers: Orphanet 868, MedGen C1860808, MONDO:0014221, OMIM 615512.
Inborn genetic diseases. Identifiers: MedGen C0950123, MeSH D030342.

Allele frequency attached by ClinVar (database versions not stated): TOPMed below 0.00001; gnomAD 0.00001 and 0.00003; ExAC 0.00002; gnomAD exomes 0.00002 and 0.00004.
gnomAD v4.1: 31 of 1,611,362 alleles (0.0019%); highest among the groups gnomAD compares: South Asian, 0.019%; no homozygotes.

Submissions (4):

Ambry Genetics
Classification: Uncertain significance for Inborn genetic diseases. Last evaluated: 2024-11-15. Review status: criteria provided, single submitter. Criteria: Ambry Variant Classification Scheme 2023. Collection method: clinical testing. Allele origin: germline.

Labcorp Genetics (formerly Invitae), Labcorp
Classification: Uncertain significance. Last evaluated: 2024-10-15. Review status: criteria provided, single submitter. Criteria: Invitae Variant Classification Sherloc (09022015). Collection method: clinical testing. Allele origin: germline.
Comment: This sequence change replaces asparagine, which is neutral and polar, with serine, which is neutral and polar, at codon 246 of the TPI1 protein (p.Asn246Ser). This variant is present in population databases (rs781891192, gnomAD 0.03%). This variant has not been reported in the literature in individuals affected with TPI1-related conditions. ClinVar contains an entry for this variant (Variation ID: 883009). An algorithm developed to predict the effect of missense changes on protein structure and function (PolyPhen-2) suggests that this variant¬†is likely to be tolerated. In summary, the available evidence is currently insufficient to determine the role of this variant in disease. Therefore, it has been classified as a Variant of Uncertain Significance.

Illumina Laboratory Services, Illumina
Classification: Uncertain significance for Triosephosphate isomerase deficiency. Last evaluated: 2018-01-13. Review status: criteria provided, single submitter. Criteria: ICSL Variant Classification Criteria 13 December 2019. Collection method: clinical testing. Allele origin: germline.

Suma Genomics
Classification: Uncertain significance for Triosephosphate isomerase deficiency. Review status: criteria provided, single submitter. Criteria: ACMG Guidelines, 2015. Collection method: clinical testing. Allele origin: inherited. Inheritance: Autosomal recessive inheritance. Affected: yes.